The following is an entry in ClinVar:

NM_001105206.3(LAMA4):c.3980T>C (p.Ile1327Thr)

Gene: LAMA4 (laminin subunit alpha 4; minus strand). Cytogenetic location: 6q21.
Variant type: single nucleotide variant.
Coding change: c.3980T>C on transcript NM_001105206.3 (MANE Select); coding-DNA position 3980, T replaced by C.
Protein change: p.Ile1327Thr; replaces isoleucine 1327 with threonine.
Molecular consequence: missense variant.
Genome position (GRCh38, 1-based): chr6:112,130,029, A>G on the plus strand (T>C on the coding strand, the complement: LAMA4 is on the minus strand). VCF-style: chr6-112130029-A-G. GRCh37 (hg19) VCF-style: chr6-112451231-A-G.
Other names: c.3959T>C, p.Ile1320Thr (NM_001105207.3, NM_002290.5); short protein forms I1320T, I1327T.
Identifiers: ClinVar variation 942363 (VCV000942363.11), dbSNP rs376471900, ClinGen allele CA144886632.
Genomic context (GRCh38, chr6:112,130,029, plus strand): 5'-TGTGTCTGTTCTATTTTCCCTTTGGTAGGATTCTTACTCCCAACTCTGCTTTTATCTACT[A>G]TCAGTTCATATCTGCAAAAGAAAAAGGCTTCTTTACATACCACAGAGCTAGCATTTTACC-3'
Protein context (NP_001098676.2, residues 1317-1337): SSVSPTRYEL[Ile1327Thr]VDKSRVGSKN

ClinVar aggregate classification (germline): Uncertain significance. Review status: criteria provided, multiple submitters, no conflicts (2 of 4 stars). 2 submissions from 2 submitters: Uncertain significance (2). Last evaluated 2023-05-08.

Conditions:
Cardiovascular phenotype. Identifiers: MedGen CN230736.
Dilated cardiomyopathy 1JJ (CMD1JJ). Identifiers: Orphanet 154, MedGen C3808935, MONDO:0014095, OMIM 615235.

Allele frequency attached by ClinVar (database versions not stated): gnomAD exomes 0.00001; TOPMed 0.00001; ESP Exome Variant Server 0.00008.
gnomAD v4.1: 17 of 1,612,596 alleles (0.0011%); highest among the groups gnomAD compares: Non-Finnish European, 0.0014%; no homozygotes.

Submissions (2):

Labcorp Genetics (formerly Invitae), Labcorp
Classification: Uncertain significance for Dilated cardiomyopathy 1JJ. Last evaluated: 2023-05-08. Review status: criteria provided, single submitter. Criteria: Invitae Variant Classification Sherloc (09022015). Collection method: clinical testing. Allele origin: germline.
Comment: This variant has not been reported in the literature in individuals affected with LAMA4-related conditions. This variant is not present in population databases (gnomAD no frequency). This sequence change replaces isoleucine, which is neutral and non-polar, with threonine, which is neutral and polar, at codon 1320 of the LAMA4 protein (p.Ile1320Thr). ClinVar contains an entry for this variant (Variation ID: 942363). An algorithm developed to predict the effect of missense changes on protein structure and function (PolyPhen-2) suggests that this variant is likely to be tolerated. In summary, the available evidence is currently insufficient to determine the role of this variant in disease. Therefore, it has been classified as a Variant of Uncertain Significance.

Ambry Genetics
Classification: Uncertain significance for Cardiovascular phenotype. Last evaluated: 2019-12-27. Review status: criteria provided, single submitter. Criteria: Ambry Variant Classification Scheme 2023. Collection method: clinical testing. Allele origin: germline.
Comment: The p.I1320T variant (also known as c.3959T>C), located in coding exon 29 of the LAMA4 gene, results from a T to C substitution at nucleotide position 3959. The isoleucine at codon 1320 is replaced by threonine, an amino acid with similar properties. This amino acid position is not well conserved in available vertebrate species, and threonine is the reference amino acid in other vertebrate species. In addition, this alteration is predicted to be tolerated by in silico analysis. Since supporting evidence is limited at this time, the clinical significance of this alteration remains unclear.